The following is an entry in ClinVar:

ClinVar aggregate classification (germline): Likely benign (1 of 4 stars; one submission).

Allele frequency attached by ClinVar (database versions not stated): gnomAD 0.00001; gnomAD exomes 0.00002; ExAC 0.00007.
gnomAD v4.1: 32 of 1,607,848 alleles (0.002%); highest among the groups gnomAD compares: Middle Eastern, 0.05%; no homozygotes.

Submission:

CeGaT Center for Human Genetics Tuebingen
Classification: Likely benign. Last evaluated: 2022-09-01. Review status: criteria provided, single submitter. Criteria: CeGaT Center For Human Genetics Tuebingen Variant Classification Criteria Version 2. Collection method: clinical testing. Allele origin: germline. Affected: yes. Observed: 1 variant allele.
Comment: KLF11: BP4

NM_003597.5(KLF11):c.929C>T (p.Ser310Phe)

Gene: KLF11 (KLF transcription factor 11; plus strand). Cytogenetic location: 2p25.1.
Variant type: single nucleotide variant.
Coding change: c.929C>T on transcript NM_003597.5 (MANE Select); coding-DNA position 929, C replaced by T.
Protein change: p.Ser310Phe; replaces serine 310 with phenylalanine.
Molecular consequence: missense variant.
Genome position (GRCh38, 1-based): chr2:10,048,266, C>T. VCF-style: chr2-10048266-C-T. GRCh37 (hg19) VCF-style: chr2-10188393-C-T.
Other names: c.878C>T, p.Ser293Phe (NM_001177716.2, NM_001177718.2); short protein forms S293F, S310F.
Identifiers: ClinVar variation 1711491 (VCV001711491.30), dbSNP rs767278357, ClinGen allele CA1525635.